The following is an entry in ClinVar:

NM_001171.6(ABCC6):c.4070G>T (p.Arg1357Leu)

Gene: ABCC6 (ATP binding cassette subfamily C member 6; minus strand). Cytogenetic location: 16p13.11.
Variant type: single nucleotide variant.
Coding change: c.4070G>T on transcript NM_001171.6 (MANE Select); coding-DNA position 4070, G replaced by T.
Protein change: p.Arg1357Leu; replaces arginine 1357 with leucine.
Molecular consequence: missense variant. On other transcripts: non-coding transcript variant (1).
Genome position (GRCh38, 1-based): chr16:16,154,766, C>A on the plus strand (G>T on the coding strand, the complement: ABCC6 is on the minus strand). VCF-style: chr16-16154766-C-A. GRCh37 (hg19) VCF-style: chr16-16248623-C-A.
Other names: c.3728G>T, p.Arg1243Leu (NM_001351800.1); short protein forms R1357L, R1243L.
Identifiers: ClinVar variation 2802563 (VCV002802563.3), dbSNP rs201275608, ClinGen allele CA394884768.

ClinVar aggregate classification (germline): Likely pathogenic (1 of 4 stars; one submission).

gnomAD v4.1: 2 of 1,612,488 alleles (0.00012%); highest among the groups gnomAD compares: Non-Finnish European, 0.00017%; no homozygotes.

Submission:

Labcorp Genetics (formerly Invitae), Labcorp
Classification: Likely pathogenic. Last evaluated: 2023-10-25. Review status: criteria provided, single submitter. Criteria: Invitae Variant Classification Sherloc (09022015). Collection method: clinical testing. Allele origin: germline.
Comment: This sequence change replaces arginine, which is basic and polar, with leucine, which is neutral and non-polar, at codon 1357 of the ABCC6 protein (p.Arg1357Leu). This variant is not present in population databases (gnomAD no frequency). This variant has not been reported in the literature in individuals affected with ABCC6-related conditions. Advanced modeling of protein sequence and biophysical properties (such as structural, functional, and spatial information, amino acid conservation, physicochemical variation, residue mobility, and thermodynamic stability) performed at Invitae indicates that this missense variant is expected to disrupt ABCC6 protein function with a positive predictive value of 95%. This variant disrupts the p.Arg1357 amino acid residue in ABCC6. Other variant(s) that disrupt this residue have been determined to be pathogenic (PMID: 15645653, 16086317, 28912966). This suggests that this residue is clinically significant, and that variants that disrupt this residue are likely to be disease-causing. In summary, the currently available evidence indicates that the variant is pathogenic, but additional data are needed to prove that conclusively. Therefore, this variant has been classified as Likely Pathogenic.

Literature cited by the submitters: PubMed 15645653; PubMed 16086317; PubMed 28912966.